The following is an entry in ClinVar:

NM_001009944.3(PKD1):c.11388C>G (p.Ala3796=)

Genes: PKD1 (polycystin 1, transient receptor potential channel interacting; minus strand), PKD1-AS1 (PKD1 antisense RNA 1; plus strand). Cytogenetic location: 16p13.3.
Variant type: single nucleotide variant.
Coding change: c.11388C>G on transcript NM_001009944.3 (MANE Select); coding-DNA position 11388, C replaced by G.
Protein change: p.Ala3796=; no amino-acid change (alanine 3796 retained).
Molecular consequence: synonymous variant.
Genome position (GRCh38, 1-based): chr16:2,092,070, G>C on the plus strand (C>G on the coding strand, the complement: PKD1 is on the minus strand). VCF-style: chr16-2092070-G-C. GRCh37 (hg19) VCF-style: chr16-2142071-G-C.
Other names: c.11385C>G, p.Ala3795= (NM_000296.4).
Identifiers: ClinVar variation 994703 (VCV000994703.9), dbSNP rs149331148, ClinGen allele CA7829165.
Genomic context (GRCh38, chr16:2,092,070, plus strand): 5'-CCTTGGCGTAGACGCCCGGGGCCCTCGCTCTGCTCACCCCAGCAGATCCGGCGCTGAATA[G>C]GCCCACGTCCCCGAGCCATTGTGAGGACTCTCCCAGCCAACGTCGTAATCGCTGGTGCTG-3'
Protein context (NP_001009944.3, residues 3786-3806): ESPHNGSGTW[Ala3796=]YSAPDLLGAW

ClinVar aggregate classification (germline): Benign/Likely benign. Review status: criteria provided, multiple submitters, no conflicts (2 of 4 stars). 7 submissions from 7 submitters: Benign (1); Likely benign (5). 1 of the submissions does not count toward it. Last evaluated 2024-09-23.

Conditions:
PKD1-related disorder. Also called: PKD1-related condition.
Polycystic kidney disease, adult type (PKD1). Also called: POLYCYSTIC KIDNEY DISEASE, ADULT, TYPE I; Polycystic Kidney, Autosomal Dominant; POLYCYSTIC KIDNEY DISEASE 1 WITH OR WITHOUT POLYCYSTIC LIVER DISEASE; Polycystic Kidney Disease 1, Autosomal Dominant; Polycystic kidney disease 1; Polycystic kidney disease 1, severe. Identifiers: MedGen C3149841, MONDO:0008263, OMIM 173900.

Allele frequency attached by ClinVar (database versions not stated): 1000 Genomes Project 30x 0.00016; ExAC 0.00019; gnomAD exomes 0.00027 and 0.00019; 1000 Genomes Project 0.00020; TOPMed 0.00020; ESP Exome Variant Server 0.00023.
gnomAD v4.1: 319 of 1,612,780 alleles (0.02%); highest among the groups gnomAD compares: Middle Eastern, 0.23%; 2 homozygotes.

Submissions (7):

Blueprint Genetics
Classification: Likely benign. Last evaluated: 2024-09-23. Review status: criteria provided, single submitter. Criteria: ACMG Guidelines, 2015. Collection method: clinical testing. Allele origin: germline.

Women's Health and Genetics/Laboratory Corporation of America, LabCorp
Classification: Likely benign. Last evaluated: 2024-04-28. Review status: criteria provided, single submitter. Criteria: LabCorp Variant Classification Summary - May 2015. Collection method: clinical testing. Allele origin: germline.

Department of Pathology and Laboratory Medicine, Sinai Health System
Classification: Likely benign for Polycystic kidney disease, adult type. Last evaluated: 2023-12-14. Review status: criteria provided, single submitter. Criteria: ACMG Guidelines, 2015. Collection method: clinical testing. Allele origin: germline. Affected: yes.

Fulgent Genetics
Classification: Likely benign for Polycystic kidney disease, adult type. Last evaluated: 2021-11-02. Review status: criteria provided, single submitter. Criteria: ACMG Guidelines, 2015. Collection method: clinical testing. Allele origin: unknown.

GeneDx
Classification: Likely benign. Last evaluated: 2019-12-02. Review status: criteria provided, single submitter. Criteria: GeneDx Variant Classification Process June 2021. Collection method: clinical testing. Allele origin: germline. Affected: yes.

Athena Diagnostics
Classification: Benign. Last evaluated: 2019-09-25. Review status: criteria provided, single submitter. Criteria: Athena Diagnostics Criteria. Collection method: clinical testing. Allele origin: unknown.

PreventionGenetics, part of Exact Sciences
Classification: Likely benign for PKD1-related condition. Last evaluated: 2019-05-13. Review status: no assertion criteria provided. Collection method: clinical testing. Allele origin: germline. Not counted in ClinVar's aggregate classification.
Comment: This variant is classified as likely benign based on ACMG/AMP sequence variant interpretation guidelines (Richards et al. 2015 PMID: 25741868, with internal and published modifications).